The following is an entry in ClinVar:

ClinVar aggregate classification (germline): Pathogenic (1 of 4 stars; one submission).

Conditions:
Malignant hyperthermia, susceptibility to, 5 (MHS5). Also called: CACNA1S-Related Malignant Hyperthermia Susceptibility. Identifiers: Orphanet 423, MedGen C1866077, MONDO:0011163, OMIM 601887.
Hypokalemic periodic paralysis, type 1. Also called: HypoPP; Hypokalemic Periodic Paralysis Type 1 (AD). Identifiers: Orphanet 681, MedGen C3714580, MONDO:0042979, OMIM 170400.

Submission:

Labcorp Genetics (formerly Invitae), Labcorp
Classification: Pathogenic for Hypokalemic periodic paralysis, type 1; Malignant hyperthermia, susceptibility to, 5. Last evaluated: 2022-12-01. Review status: criteria provided, single submitter. Criteria: Invitae Variant Classification Sherloc (09022015). Collection method: clinical testing. Allele origin: unknown.
Comment: For these reasons, this variant has been classified as Pathogenic. This variant has not been reported in the literature in individuals affected with CACNA1S-related conditions. This variant is a gross deletion of the genomic region encompassing exon(s) 13-16 of the CACNA1S gene. This deletion is out-of-frame, and is expected to create a premature termination codon and result in an absent or disrupted protein product. Loss-of-function variants in CACNA1S are known to be pathogenic (PMID: 26247046, 28012042).

Literature cited by the submitters: PubMed 26247046; PubMed 28012042.

NC_000001.10:g.(?_201041873)_(201045757_?)del

Gene: CACNA1S (calcium voltage-gated channel subunit alpha1 S; minus strand). Cytogenetic location: 1q32.1.
Variant type: Deletion.
Identifiers: ClinVar variation 3247819 (VCV003247819.1).